The following is an entry in ClinVar:

ClinVar aggregate classification (germline): Pathogenic (1 of 4 stars; one submission).

Conditions:
Charcot-Marie-Tooth disease type 2. Also called: Charcot-Marie-Tooth type 2. Identifiers: Orphanet 64746, MedGen C0270914, MONDO:0018993.

Submission:

Labcorp Genetics (formerly Invitae), Labcorp
Classification: Pathogenic for Charcot-Marie-Tooth disease type 2. Last evaluated: 2020-10-01. Review status: criteria provided, single submitter. Criteria: Invitae Variant Classification Sherloc (09022015). Collection method: clinical testing. Allele origin: germline.
Comment: This sequence change replaces isoleucine with phenylalanine at codon 88 of the MFN2 protein (p.Ile88Phe). The isoleucine residue is highly conserved and there is a small physicochemical difference between isoleucine and phenylalanine. This variant is not present in population databases (ExAC no frequency). This variant has been observed in individual(s) with autosomal dominant Charcot-Marie-Tooth disease (PMID: 26392352, Invitae). In at least one individual the variant was observed to be de novo. ClinVar contains an entry for this variant (Variation ID: 653992). Algorithms developed to predict the effect of missense changes on protein structure and function are either unavailable or do not agree on the potential impact of this missense change (SIFT: "Deleterious"; PolyPhen-2: "Probably Damaging"; Align-GVGD: "Class C15"). For these reasons, this variant has been classified as Pathogenic.

Literature cited by the submitters: PubMed 26392352.

NM_014874.4(MFN2):c.262A>T (p.Ile88Phe)

Gene: MFN2 (mitofusin 2; plus strand). Cytogenetic location: 1p36.22.
Variant type: single nucleotide variant.
Coding change: c.262A>T on transcript NM_014874.4 (MANE Select); coding-DNA position 262, A replaced by T.
Protein change: p.Ile88Phe; replaces isoleucine 88 with phenylalanine.
Molecular consequence: missense variant.
Genome position (GRCh38, 1-based): chr1:11,992,641, A>T. VCF-style: chr1-11992641-A-T. GRCh37 (hg19) VCF-style: chr1-12052698-A-T.
Other names: c.262A>T, p.Ile88Phe (NM_001127660.2); short protein forms I88F.
Identifiers: ClinVar variation 653992 (VCV000653992.10), dbSNP rs1569816194, ClinGen allele CA338462073.